The following is an entry in ClinVar:

ClinVar aggregate classification (germline): Benign (0 of 4 stars; one submission).

Conditions:
ZMYM6-related disorder. Also called: ZMYM6-related condition.

Allele frequency attached by ClinVar (database versions not stated): gnomAD exomes 0.00053; ExAC 0.00190; gnomAD 0.00587; 1000 Genomes Project 30x 0.00640; TOPMed 0.00643; 1000 Genomes Project 0.00659; ESP Exome Variant Server 0.00738.
gnomAD v4.1: 1,705 of 1,613,070 alleles (0.11%); highest among the groups gnomAD compares: African/African-American, 2%; 17 homozygotes.

Submission:

PreventionGenetics, part of Exact Sciences
Classification: Benign for ZMYM6-related condition. Last evaluated: 2019-05-28. Review status: no assertion criteria provided. Collection method: clinical testing. Allele origin: germline.
Comment: This variant is classified as benign based on ACMG/AMP sequence variant interpretation guidelines (Richards et al. 2015 PMID: 25741868, with internal and published modifications).

NM_007167.4(ZMYM6):c.67A>G (p.Ile23Val)

Gene: ZMYM6 (zinc finger MYM-type containing 6; minus strand). Cytogenetic location: 1p34.3.
Variant type: single nucleotide variant.
Coding change: c.67A>G on transcript NM_007167.4 (MANE Select); coding-DNA position 67, A replaced by G.
Protein change: p.Ile23Val; replaces isoleucine 23 with valine.
Molecular consequence: missense variant.
Genome position (GRCh38, 1-based): chr1:35,030,573, T>C on the plus strand (A>G on the coding strand, the complement: ZMYM6 is on the minus strand). VCF-style: chr1-35030573-T-C. GRCh37 (hg19) VCF-style: chr1-35496174-T-C.
Other names: short protein forms I23V.
Identifiers: ClinVar variation 3038869 (VCV003038869.2), dbSNP rs74780395, ClinGen allele CA756875.